The following is an entry in ClinVar:

NM_004371.4(COPA):c.1690C>G (p.Leu564Val)

Gene: COPA (coat protein complex I subunit alpha; minus strand). Cytogenetic location: 1q23.2.
Variant type: single nucleotide variant.
Coding change: c.1690C>G on transcript NM_004371.4 (MANE Select); coding-DNA position 1690, C replaced by G.
Protein change: p.Leu564Val; replaces leucine 564 with valine.
Molecular consequence: missense variant.
Genome position (GRCh38, 1-based): chr1:160,299,242, G>C on the plus strand (C>G on the coding strand, the complement: COPA is on the minus strand). VCF-style: chr1-160299242-G-C. GRCh37 (hg19) VCF-style: chr1-160269032-G-C.
Other names: c.1717C>G, p.Leu573Val (NM_001098398.2); short protein forms L573V, L564V.
Identifiers: ClinVar variation 2970469 (VCV002970469.3), dbSNP rs1359293665, ClinGen allele CA343281250.

ClinVar aggregate classification (germline): Uncertain significance (1 of 4 stars; one submission).

Conditions:
Autoimmune interstitial lung disease-arthritis syndrome. Also called: Autoinflammation and autoimmunity, systemic, with immune dysregulation. Identifiers: Orphanet 444092, MedGen C5975714, MONDO:0014629.

Allele frequency attached by ClinVar (database versions not stated): gnomAD 0.00001; TOPMed 0.00001.
gnomAD v4.1: 2 of 1,613,082 alleles (0.00012%); highest among the groups gnomAD compares: Non-Finnish European, 0.00017%; no homozygotes.

Submission:

Labcorp Genetics (formerly Invitae), Labcorp
Classification: Uncertain significance for Autoimmune interstitial lung disease-arthritis syndrome. Last evaluated: 2025-09-09. Review status: criteria provided, single submitter. Criteria: Invitae Variant Classification Sherloc (09022015). Collection method: clinical testing. Allele origin: germline.
Comment: This sequence change replaces leucine, which is neutral and non-polar, with valine, which is neutral and non-polar, at codon 564 of the COPA protein (p.Leu564Val). This variant is present in population databases (no rsID available, gnomAD 0.0009%). This variant has not been reported in the literature in individuals affected with COPA-related conditions. ClinVar contains an entry for this variant (Variation ID: 2970469). Invitae Evidence Modeling of protein sequence and biophysical properties (such as structural, functional, and spatial information, amino acid conservation, physicochemical variation, residue mobility, and thermodynamic stability) indicates that this missense variant is not expected to disrupt COPA protein function with a negative predictive value of 80%. In summary, the available evidence is currently insufficient to determine the role of this variant in disease. Therefore, it has been classified as a Variant of Uncertain Significance.